The following is an entry in ClinVar:

NM_001164508.2(NEB):c.10653C>T (p.His3551=)

Gene: NEB (nebulin; minus strand). Cytogenetic location: 2q23.3.
Variant type: single nucleotide variant.
Coding change: c.10653C>T on transcript NM_001164508.2 (MANE Select); coding-DNA position 10653, C replaced by T.
Protein change: p.His3551=; no amino-acid change (histidine 3551 retained).
Molecular consequence: synonymous variant.
Genome position (GRCh38, 1-based): chr2:151,619,670, G>A on the plus strand (C>T on the coding strand, the complement: NEB is on the minus strand). VCF-style: chr2-151619670-G-A. GRCh37 (hg19) VCF-style: chr2-152476184-G-A.
Other names: c.10653C>T, p.His3551= (NM_001164507.2, NM_001271208.2); c.9924C>T, p.His3308= (NM_004543.5).
Identifiers: ClinVar variation 507231 (VCV000507231.9), dbSNP rs369508429, ClinGen allele CA1908971.

ClinVar aggregate classification (germline): Likely benign. Review status: criteria provided, multiple submitters, no conflicts (2 of 4 stars). 2 submissions from 2 submitters: Likely benign (2). Last evaluated 2023-12-27.

Conditions:
Nemaline myopathy 2 (NEM2). Also called: Nemaline myopathy 2, autosomal recessive. Identifiers: MedGen C1850569, MONDO:0009725, OMIM 256030.

Allele frequency attached by ClinVar (database versions not stated): gnomAD exomes 0.00002 and 0.00001; ESP Exome Variant Server 0.00016; ExAC 0.00003; gnomAD 0.00005; TOPMed 0.00005.
gnomAD v4.1: 15 of 1,613,872 alleles (0.00093%); highest among the groups gnomAD compares: African/African-American, 0.019%; no homozygotes.

Submissions (2):

Labcorp Genetics (formerly Invitae), Labcorp
Classification: Likely benign for Nemaline myopathy 2. Last evaluated: 2023-12-27. Review status: criteria provided, single submitter. Criteria: Invitae Variant Classification Sherloc (09022015). Collection method: clinical testing. Allele origin: germline.

GeneDx
Classification: Likely benign. Last evaluated: 2017-02-13. Review status: criteria provided, single submitter. Criteria: GeneDx Variant Classification (06012015). Collection method: clinical testing. Allele origin: germline. Affected: yes.
Comment: This variant is considered likely benign or benign based on one or more of the following criteria: it is a conservative change, it occurs at a poorly conserved position in the protein, it is predicted to be benign by multiple in silico algorithms, and/or has population frequency not consistent with disease.